The following is an entry in ClinVar:

NM_025114.4(CEP290):c.5432G>A (p.Arg1811Lys)

Gene: CEP290 (centrosomal protein 290; minus strand). Cytogenetic location: 12q21.32.
Variant type: single nucleotide variant.
Coding change: c.5432G>A on transcript NM_025114.4 (MANE Select); coding-DNA position 5432, G replaced by A.
Protein change: p.Arg1811Lys; replaces arginine 1811 with lysine.
Molecular consequence: missense variant.
Genome position (GRCh38, 1-based): chr12:88,077,851, C>T on the plus strand (G>A on the coding strand, the complement: CEP290 is on the minus strand). VCF-style: chr12-88077851-C-T. GRCh37 (hg19) VCF-style: chr12-88471628-C-T.
Other names: short protein forms R1811K.
Identifiers: ClinVar variation 1960808 (VCV001960808.5), dbSNP rs2499859599, ClinGen allele CA385988848.

ClinVar aggregate classification (germline): Uncertain significance (1 of 4 stars; one submission).

Conditions:
Joubert syndrome. Also called: CEREBELLOPARENCHYMAL DISORDER IV; JOUBERT-BOLTSHAUSER SYNDROME; Familial aplasia of the vermis. Identifiers: Orphanet 475, MedGen C5979921, MONDO:0018772.
Meckel-Gruber syndrome. Also called: DYSENCEPHALIA SPLANCHNOCYSTICA; GRUBER SYNDROME; Dysencephalia splachnocystica. Identifiers: Orphanet 564, MedGen C0265215, MONDO:0018921.
Nephronophthisis. Also called: Juvenile Nephronophthisis. Identifiers: Orphanet 655, MedGen C0687120, MONDO:0019005, HP:0000090.

Allele frequency attached by ClinVar (database versions not stated): gnomAD exomes below 0.00001.
gnomAD v4.1: 1 of 1,470,050 alleles (0.000068%); highest among the groups gnomAD compares: Non-Finnish European, 0.000093%; no homozygotes.

Submission:

Labcorp Genetics (formerly Invitae), Labcorp
Classification: Uncertain significance for Joubert syndrome; Meckel-Gruber syndrome; Nephronophthisis. Last evaluated: 2025-02-06. Review status: criteria provided, single submitter. Criteria: Invitae Variant Classification Sherloc (09022015). Collection method: clinical testing. Allele origin: germline.
Comment: This sequence change replaces arginine, which is basic and polar, with lysine, which is basic and polar, at codon 1811 of the CEP290 protein (p.Arg1811Lys). This variant is not present in population databases (gnomAD no frequency). This variant has not been reported in the literature in individuals affected with CEP290-related conditions. ClinVar contains an entry for this variant (Variation ID: 1960808). Invitae Evidence Modeling of protein sequence and biophysical properties (such as structural, functional, and spatial information, amino acid conservation, physicochemical variation, residue mobility, and thermodynamic stability) indicates that this missense variant is not expected to disrupt CEP290 protein function with a negative predictive value of 80%. In summary, the available evidence is currently insufficient to determine the role of this variant in disease. Therefore, it has been classified as a Variant of Uncertain Significance.